The following is an entry in ClinVar:

NM_006059.4(LAMC3):c.1165+7G>A

Gene: LAMC3 (laminin subunit gamma 3; plus strand). Cytogenetic location: 9q34.12.
Variant type: single nucleotide variant.
Coding change: c.1165+7G>A on transcript NM_006059.4 (MANE Select); 7 bases into the intron after coding-DNA position 1165, G replaced by A.
Molecular consequence: intron variant.
Genome position (GRCh38, 1-based): chr9:131,039,059, G>A. VCF-style: chr9-131039059-G-A. GRCh37 (hg19) VCF-style: chr9-133914446-G-A.
Other names: c.1165+7G>A (NM_006059.3).
Identifiers: ClinVar variation 1356102 (VCV001356102.11), dbSNP rs201544665, ClinGen allele CA5286961.

ClinVar aggregate classification (germline): Likely benign. Review status: criteria provided, single submitter (1 of 4 stars). 2 submissions from 2 submitters: Likely benign (1). 1 of the submissions does not count toward it. Last evaluated 2025-10-22.

Conditions:
LAMC3-related disorder. Also called: LAMC3-related condition.

Allele frequency attached by ClinVar (database versions not stated): ExAC 0.00004; gnomAD exomes 0.00004 and 0.00016; TOPMed 0.00009; gnomAD 0.00010 and 0.00011.
gnomAD v4.1: 247 of 1,612,836 alleles (0.015%); highest among the groups gnomAD compares: Non-Finnish European, 0.02%; no homozygotes.

Submissions (2):

Labcorp Genetics (formerly Invitae), Labcorp
Classification: Likely benign. Last evaluated: 2025-10-22. Review status: criteria provided, single submitter. Criteria: Invitae Variant Classification Sherloc (09022015). Collection method: clinical testing. Allele origin: germline.

PreventionGenetics, part of Exact Sciences
Classification: Likely benign for LAMC3-related condition. Last evaluated: 2020-06-25. Review status: no assertion criteria provided. Collection method: clinical testing. Allele origin: germline. Not counted in ClinVar's aggregate classification.
Comment: This variant is classified as likely benign based on ACMG/AMP sequence variant interpretation guidelines (Richards et al. 2015 PMID: 25741868, with internal and published modifications).